The following is an entry in ClinVar:

NM_198999.3(SLC26A5):c.2000A>G (p.Tyr667Cys)

Gene: SLC26A5 (solute carrier family 26 member 5; minus strand). Cytogenetic location: 7q22.1.
Variant type: single nucleotide variant.
Coding change: c.2000A>G on transcript NM_198999.3 (MANE Select); coding-DNA position 2000, A replaced by G.
Protein change: p.Tyr667Cys; replaces tyrosine 667 with cysteine.
Molecular consequence: missense variant. On other transcripts: non-coding transcript variant (5), intron variant (2).
Genome position (GRCh38, 1-based): chr7:103,376,849, T>C on the plus strand (A>G on the coding strand, the complement: SLC26A5 is on the minus strand). VCF-style: chr7-103376849-T-C. GRCh37 (hg19) VCF-style: chr7-103017296-T-C.
Other names: c.1904A>G, p.Tyr635Cys (NM_001167962.2, NM_001321787.2); c.2000A>G, p.Tyr667Cys (NM_206883.3); c.971+21083A>G (NM_206885.3); c.1514+12159A>G (NM_206884.3); short protein forms Y667C, Y635C.
Identifiers: ClinVar variation 1480283 (VCV001480283.6), dbSNP rs1378376686, ClinGen allele CA368750627.

ClinVar aggregate classification (germline): Uncertain significance (1 of 4 stars; one submission).

Allele frequency attached by ClinVar (database versions not stated): gnomAD exomes below 0.00001; gnomAD 0.00001.
gnomAD v4.1: 4 of 1,601,460 alleles (0.00025%); highest among the groups gnomAD compares: Non-Finnish European, 0.00034%; no homozygotes.

Submission:

Labcorp Genetics (formerly Invitae), Labcorp
Classification: Uncertain significance. Last evaluated: 2025-06-23. Review status: criteria provided, single submitter. Criteria: Invitae Variant Classification Sherloc (09022015). Collection method: clinical testing. Allele origin: germline.
Comment: This sequence change replaces tyrosine, which is neutral and polar, with cysteine, which is neutral and slightly polar, at codon 667 of the SLC26A5 protein (p.Tyr667Cys). This variant is present in population databases (no rsID available, gnomAD 0.007%). This variant has not been reported in the literature in individuals affected with SLC26A5-related conditions. ClinVar contains an entry for this variant (Variation ID: 1480283). Invitae Evidence Modeling of protein sequence and biophysical properties (such as structural, functional, and spatial information, amino acid conservation, physicochemical variation, residue mobility, and thermodynamic stability) indicates that this missense variant is not expected to disrupt SLC26A5 protein function with a negative predictive value of 80%. In summary, the available evidence is currently insufficient to determine the role of this variant in disease. Therefore, it has been classified as a Variant of Uncertain Significance.